The following is an entry in ClinVar:

NM_000297.4(PKD2):c.2762C>T (p.Ala921Val)

Gene: PKD2 (polycystin 2, transient receptor potential cation channel; plus strand). Cytogenetic location: 4q22.1.
Variant type: single nucleotide variant.
Coding change: c.2762C>T on transcript NM_000297.4 (MANE Select); coding-DNA position 2762, C replaced by T.
Protein change: p.Ala921Val; replaces alanine 921 with valine.
Molecular consequence: missense variant. On other transcripts: non-coding transcript variant (1).
Genome position (GRCh38, 1-based): chr4:88,075,549, C>T. VCF-style: chr4-88075549-C-T. GRCh37 (hg19) VCF-style: chr4-88996701-C-T.
Other names: short protein forms A921V.
Identifiers: ClinVar variation 966507 (VCV000966507.8), dbSNP rs545898956, ClinGen allele CA3004356.

ClinVar aggregate classification (germline): Uncertain significance. Review status: criteria provided, multiple submitters, no conflicts (2 of 4 stars). 2 submissions from 2 submitters: Uncertain significance (2). Last evaluated 2025-02-17.

Conditions:
Polycystic kidney disease 2 (PKD2). Also called: POLYCYSTIC KIDNEY DISEASE, ADULT, TYPE II; POLYCYSTIC KIDNEY DISEASE 2 WITH OR WITHOUT POLYCYSTIC LIVER DISEASE; Polycystic Kidney Disease 2, Autosomal Dominant. Identifiers: MedGen C2751306, MONDO:0013131, OMIM 613095.
Autosomal dominant polycystic kidney disease. Identifiers: Orphanet 730, MedGen C0085413, MONDO:0004691.

Allele frequency attached by ClinVar (database versions not stated): gnomAD exomes below 0.00001 and 0.00001; ExAC 0.00002; 1000 Genomes Project 30x 0.00016; 1000 Genomes Project 0.00020.
gnomAD v4.1: 8 of 1,614,070 alleles (0.0005%); highest among the groups gnomAD compares: Admixed American, 0.012%; no homozygotes.

Submissions (2):

Labcorp Genetics (formerly Invitae), Labcorp
Classification: Uncertain significance for Autosomal dominant polycystic kidney disease. Last evaluated: 2025-02-17. Review status: criteria provided, single submitter. Criteria: Invitae Variant Classification Sherloc (09022015). Collection method: clinical testing. Allele origin: germline.
Comment: This sequence change replaces alanine, which is neutral and non-polar, with valine, which is neutral and non-polar, at codon 921 of the PKD2 protein (p.Ala921Val). This variant is present in population databases (rs545898956, gnomAD 0.006%). This variant has not been reported in the literature in individuals affected with PKD2-related conditions. ClinVar contains an entry for this variant (Variation ID: 966507). Invitae Evidence Modeling of protein sequence and biophysical properties (such as structural, functional, and spatial information, amino acid conservation, physicochemical variation, residue mobility, and thermodynamic stability) indicates that this missense variant is not expected to disrupt PKD2 protein function with a negative predictive value of 80%. In summary, the available evidence is currently insufficient to determine the role of this variant in disease. Therefore, it has been classified as a Variant of Uncertain Significance.

Fulgent Genetics
Classification: Uncertain significance for Polycystic kidney disease 2. Last evaluated: 2024-05-10. Review status: criteria provided, single submitter. Criteria: ACMG Guidelines, 2015. Collection method: clinical testing. Allele origin: germline.